The following is an entry in ClinVar:

ClinVar aggregate classification (germline): Conflicting classifications of pathogenicity. Review status: criteria provided, conflicting classifications (1 of 4 stars). 2 submissions from 2 submitters: Likely pathogenic (1); Uncertain significance (1). Last evaluated 2026-07-20.

Conditions:
Paediatric disorders.
Microphthalmia, syndromic 12 (MCOPS12). Also called: MICROPHTHALMIA WITH OR WITHOUT PULMONARY HYPOPLASIA, DIAPHRAGMATIC HERNIA, AND/OR CARDIAC DEFECTS. Identifiers: Orphanet 2470, Orphanet 689829, MedGen C3809803, MONDO:0014229, OMIM 615524.

Submissions (2):

North West Genomic Laboratory Hub, Manchester University NHS Foundation Trust
Classification: Likely pathogenic for Paediatric disorders. Last evaluated: 2026-07-20. Review status: criteria provided, single submitter. Criteria: ACGS Best Practice Guidelines for Variant Classification in Rare Disease 2024. Collection method: clinical testing. Allele origin: germline. Affected: yes.
Comment: PP2_Supp PM2_Mod PP3_Supp PS2_Mod

3billion
Classification: Uncertain significance for Microphthalmia, syndromic 12. Last evaluated: 2024-01-08. Review status: criteria provided, single submitter. Criteria: ACMG Guidelines, 2015. Collection method: clinical testing. Allele origin: germline. Affected: yes.
Comment: The variant is not observed in the gnomAD v2.1.1 dataset. Predicted Consequence/Location: Missense changes are a common disease-causing mechanism. In silico tool predictions suggest damaging effect of the variant on gene or gene product [REVEL: 0.77 (>=0.6, sensitivity 0.68 and specificity 0.92); 3Cnet: 0.88 (>=0.6, sensitivity 0.72 and precision 0.9)]. Therefore, this variant is classified as VUS according to the recommendation of ACMG/AMP guideline.

NM_000965.5(RARB):c.683G>A (p.Cys228Tyr)

Gene: RARB (retinoic acid receptor beta; plus strand). Cytogenetic location: 3p24.2.
Variant type: single nucleotide variant.
Coding change: c.683G>A on transcript NM_000965.5 (MANE Select); coding-DNA position 683, G replaced by A.
Protein change: p.Cys228Tyr; replaces cysteine 228 with tyrosine.
Molecular consequence: missense variant. On other transcripts: non-coding transcript variant (2).
Genome position (GRCh38, 1-based): chr3:25,580,619, G>A. VCF-style: chr3-25580619-G-A. GRCh37 (hg19) VCF-style: chr3-25622110-G-A.
Other names: c.704G>A, p.Cys235Tyr (NM_001290216.3); c.347G>A, p.Cys116Tyr (NM_001290217.2, NM_001290276.2, NM_016152.4); c.536G>A, p.Cys179Tyr (NM_001290266.2); c.683G>A, p.Cys228Tyr (NM_001290277.1); c.554G>A, p.Cys185Tyr (NM_001290300.2); short protein forms C116Y, C179Y, C185Y, C228Y, C235Y.
Identifiers: ClinVar variation 3775945 (VCV003775945.2).